The following is an entry in ClinVar:

ClinVar aggregate classification (germline): Conflicting classifications of pathogenicity. Review status: criteria provided, conflicting classifications (1 of 4 stars). 3 submissions from 3 submitters: Uncertain significance (1); Likely benign (1). 1 of the submissions does not count toward it. Last evaluated 2025-12-29.

Conditions:
CSF2RB-related disorder. Also called: CSF2RB-related condition.

Allele frequency attached by ClinVar (database versions not stated): gnomAD 0.00141 and 0.00155; TOPMed 0.00164; 1000 Genomes Project 30x 0.00172; ESP Exome Variant Server 0.00192; ExAC 0.00047; 1000 Genomes Project 0.00140.
gnomAD v4.1: 389 of 1,614,220 alleles (0.024%); highest among the groups gnomAD compares: African/African-American, 0.47%; 1 homozygote.

Submissions (3):

Labcorp Genetics (formerly Invitae), Labcorp
Classification: Likely benign. Last evaluated: 2025-12-29. Review status: criteria provided, single submitter. Criteria: Invitae Variant Classification Sherloc (09022015). Collection method: clinical testing. Allele origin: germline.

Blueprint Genetics
Classification: Uncertain significance. Last evaluated: 2024-10-09. Review status: criteria provided, single submitter. Criteria: ACMG Guidelines, 2015. Collection method: clinical testing. Allele origin: germline.

PreventionGenetics, part of Exact Sciences
Classification: Likely benign for CSF2RB-related condition. Last evaluated: 2023-11-28. Review status: no assertion criteria provided. Collection method: clinical testing. Allele origin: germline. Not counted in ClinVar's aggregate classification.
Comment: This variant is classified as likely benign based on ACMG/AMP sequence variant interpretation guidelines (Richards et al. 2015 PMID: 25741868, with internal and published modifications).

NM_000395.3(CSF2RB):c.1378C>G (p.Leu460Val)

Gene: CSF2RB (colony stimulating factor 2 receptor subunit beta; plus strand). Cytogenetic location: 22q12.3.
Variant type: single nucleotide variant.
Coding change: c.1378C>G on transcript NM_000395.3 (MANE Select); coding-DNA position 1378, C replaced by G.
Protein change: p.Leu460Val; replaces leucine 460 with valine.
Molecular consequence: missense variant.
Genome position (GRCh38, 1-based): chr22:36,935,413, C>G. VCF-style: chr22-36935413-C-G. GRCh37 (hg19) VCF-style: chr22-37331455-C-G.
Other names: c.1378C>G (NM_000395.2); short protein forms L460V.
Identifiers: ClinVar variation 1082840 (VCV001082840.12), dbSNP rs139657532, ClinGen allele CA10213811.